The following is an entry in ClinVar:

NM_001267550.2(TTN):c.107351C>A (p.Ser35784Ter)

Genes: TTN (titin; minus strand), TTN-AS1 (TTN antisense RNA 1; plus strand). Cytogenetic location: 2q31.2.
Variant type: single nucleotide variant.
Coding change: c.107351C>A on transcript NM_001267550.2 (MANE Select); coding-DNA position 107351, C replaced by A.
Protein change: p.Ser35784Ter; replaces serine 35784 with a stop codon.
Molecular consequence: nonsense.
Genome position (GRCh38, 1-based): chr2:178,528,300, G>T on the plus strand (C>A on the coding strand, the complement: TTN is on the minus strand). VCF-style: chr2-178528300-G-T. GRCh37 (hg19) VCF-style: chr2-179393027-G-T.
Other names: c.102428C>A, p.Ser34143Ter (NM_001256850.1); c.80156C>A, p.Ser26719Ter (NM_003319.4); c.99647C>A, p.Ser33216Ter (NM_133378.4); c.80531C>A, p.Ser26844Ter (NM_133432.3); c.80732C>A, p.Ser26911Ter (NM_133437.4); short protein forms S26844*, S26911*, S33216*, S35784*, S26719*, S34143*.
Identifiers: ClinVar variation 1473628 (VCV001473628.6), dbSNP rs1575185742, ClinGen allele CA349401259.
Genomic context (GRCh38, chr2:178,528,300, plus strand): 5'-AACATGTAAGGAAGAAGGGTGAGGAGATACTTACGAAGGACCATTAAGGAAGCTGTAGCT[G>T]AACACTGGCCACGGAAATTTTTGGCCTTAATTGTGTACTTTCCACTGTCGCTGACTGATG-3'

ClinVar aggregate classification (germline): Likely pathogenic (1 of 4 stars; one submission).

Conditions:
Dilated cardiomyopathy 1G (CMD1G). Identifiers: Orphanet 154, MedGen C1858763, MONDO:0011400, OMIM 604145.
Autosomal recessive limb-girdle muscular dystrophy type 2J (LGMDR10). Also called: MUSCULAR DYSTROPHY, LIMB-GIRDLE, AUTOSOMAL RECESSIVE 10; Limb-girdle muscular dystrophy, type 2J. Identifiers: Orphanet 140922, MedGen C1837342, MONDO:0012127, OMIM 608807.

Submission:

Labcorp Genetics (formerly Invitae), Labcorp
Classification: Likely pathogenic for Dilated cardiomyopathy 1G; Autosomal recessive limb-girdle muscular dystrophy type 2J. Last evaluated: 2023-12-06. Review status: criteria provided, single submitter. Criteria: Invitae Variant Classification Sherloc (09022015). Collection method: clinical testing. Allele origin: germline.
Comment: This sequence change creates a premature translational stop signal (p.Ser35784*) in the TTN gene. While this is not anticipated to result in nonsense mediated decay, it is expected to create a truncated TTN protein. This variant is not present in population databases (gnomAD no frequency). This variant has not been reported in the literature in individuals affected with TTN-related conditions. ClinVar contains an entry for this variant (Variation ID: 1473628). This variant is located in the M band of TTN (PMID: 25589632). Truncating variants in this region have been previously reported in individuals affected with autosomal recessive myopathy and muscular dystrophy (PMID: 18948003, 23975875, 24395473). Truncating variants in this region have also been identified in individuals affected with autosomal dominant dilated cardiomyopathy and/or cardio-related conditions (PMID: 27869827, 32964742). In summary, the currently available evidence indicates that the variant is pathogenic, but additional data are needed to prove that conclusively. Therefore, this variant has been classified as Likely Pathogenic.

Literature cited by the submitters: PubMed 25589632; PubMed 18948003; PubMed 23975875; PubMed 24395473; PubMed 27869827; PubMed 32964742.